The following is an entry in ClinVar:

NM_000113.3(TOR1A):c.841A>G (p.Ile281Val)

Gene: TOR1A (torsin family 1 member A; minus strand). Cytogenetic location: 9q34.11.
Variant type: single nucleotide variant.
Coding change: c.841A>G on transcript NM_000113.3 (MANE Select); coding-DNA position 841, A replaced by G.
Protein change: p.Ile281Val; replaces isoleucine 281 with valine.
Molecular consequence: missense variant.
Genome position (GRCh38, 1-based): chr9:129,814,130, T>C on the plus strand (A>G on the coding strand, the complement: TOR1A is on the minus strand). VCF-style: chr9-129814130-T-C. GRCh37 (hg19) VCF-style: chr9-132576409-T-C.
Other names: short protein forms I281V.
Identifiers: ClinVar variation 4741329 (VCV004741329.1).

ClinVar aggregate classification (germline): Uncertain significance (1 of 4 stars; one submission).

Conditions:
Dystonic disorder. Also called: Dystonia. Identifiers: MedGen C0013421, MONDO:0003441, HP:0001332.

Submission:

Labcorp Genetics (formerly Invitae), Labcorp
Classification: Uncertain significance for Dystonic disorder. Last evaluated: 2025-10-06. Review status: criteria provided, single submitter. Criteria: Invitae Variant Classification Sherloc (09022015). Collection method: clinical testing. Allele origin: germline.
Comment: This sequence change replaces isoleucine, which is neutral and non-polar, with valine, which is neutral and non-polar, at codon 281 of the TOR1A protein (p.Ile281Val). This variant is present in population databases (rs758841877, gnomAD 0.0009%). This variant has not been reported in the literature in individuals affected with TOR1A-related conditions. Invitae Evidence Modeling of protein sequence and biophysical properties (such as structural, functional, and spatial information, amino acid conservation, physicochemical variation, residue mobility, and thermodynamic stability) indicates that this missense variant is not expected to disrupt TOR1A protein function with a negative predictive value of 80%. In summary, the available evidence is currently insufficient to determine the role of this variant in disease. Therefore, it has been classified as a Variant of Uncertain Significance.